The following is an entry in ClinVar:

NM_001267550.2(TTN):c.27914G>A (p.Arg9305Gln)

Gene: TTN (titin; minus strand). Cytogenetic location: 2q31.2.
Variant type: single nucleotide variant.
Coding change: c.27914G>A on transcript NM_001267550.2 (MANE Select); coding-DNA position 27914, G replaced by A.
Protein change: p.Arg9305Gln; replaces arginine 9305 with glutamine.
Molecular consequence: missense variant. On other transcripts: intron variant (3).
Genome position (GRCh38, 1-based): chr2:178,711,322, C>T on the plus strand (G>A on the coding strand, the complement: TTN is on the minus strand). VCF-style: chr2-178711322-C-T. GRCh37 (hg19) VCF-style: chr2-179576049-C-T.
Other names: c.26963G>A, p.Arg8988Gln (NM_001256850.1); c.13282+26760G>A (NM_003319.4); c.13858+26760G>A (NM_133437.4); c.13657+26760G>A (NM_133432.3); c.24182G>A, p.Arg8061Gln (NM_133378.4); short protein forms R9305Q, R8061Q, R8988Q.
Identifiers: ClinVar variation 46803 (VCV000046803.32), dbSNP rs397517527, ClinGen allele CA139240.

ClinVar aggregate classification (germline): Conflicting classifications of pathogenicity. Review status: criteria provided, conflicting classifications (1 of 4 stars). 6 submissions from 6 submitters: Uncertain significance (3); Likely benign (3). Last evaluated 2026-01-11.

Conditions:
Dilated cardiomyopathy 1G (CMD1G). Identifiers: Orphanet 154, MedGen C1858763, MONDO:0011400, OMIM 604145.
Autosomal recessive limb-girdle muscular dystrophy type 2J (LGMDR10). Also called: Limb-girdle muscular dystrophy, type 2J; MUSCULAR DYSTROPHY, LIMB-GIRDLE, AUTOSOMAL RECESSIVE 10. Identifiers: Orphanet 140922, MedGen C1837342, MONDO:0012127, OMIM 608807.
Primary dilated cardiomyopathy (DCM). Also called: Dilated Cardiomyopathy. Identifiers: Orphanet 217604, MedGen C0007193, MeSH D002311, MONDO:0005021, HP:0001644. Inheritance: Various modes of inheritance.

Allele frequency attached by ClinVar (database versions not stated): gnomAD 0.00001; TOPMed 0.00005; ExAC 0.00015; gnomAD exomes 0.00020.
gnomAD v4.1: 67 of 1,606,048 alleles (0.0042%); highest among the groups gnomAD compares: Admixed American, 0.084%; 1 homozygote.

Submissions (6):

Labcorp Genetics (formerly Invitae), Labcorp
Classification: Likely benign for Dilated cardiomyopathy 1G; Autosomal recessive limb-girdle muscular dystrophy type 2J. Last evaluated: 2026-01-11. Review status: criteria provided, single submitter. Criteria: Invitae Variant Classification Sherloc (09022015). Collection method: clinical testing. Allele origin: germline.

Women's Health and Genetics/Laboratory Corporation of America, LabCorp
Classification: Likely benign. Last evaluated: 2023-01-09. Review status: criteria provided, single submitter. Criteria: LabCorp Variant Classification Summary - May 2015. Collection method: clinical testing. Allele origin: germline.
Comment: Variant summary: TTN c.24182G>A (p.Arg8061Gln) results in a conservative amino acid change located in the I-band of the encoded protein sequence. Two of three in-silico tools predict a benign effect of the variant on protein function. The variant allele was found at a frequency of 0.0002 in 245666 control chromosomes, predominantly at a frequency of 0.0013 within the Latino subpopulation in the gnomAD database. The observed variant frequency within Latino control individuals in the gnomAD database is approximately 3 fold of the estimated maximal expected allele frequency for a pathogenic variant in TTN causing Dilated Cardiomyopathy phenotype (0.00039), strongly suggesting that the variant is a benign polymorphism found primarily in populations of Latino origin. To our knowledge, no occurrence of c.24182G>A in individuals affected with Dilated Cardiomyopathy and no experimental evidence demonstrating its impact on protein function have been reported. Five clinical diagnostic laboratories have submitted clinical-significance assessments for this variant to ClinVar after 2014 without evidence for independent evaluation. Multiple laboratories reported the variant with conflicting assessments (VUS n=3, likely benign n=2). Based on the evidence outlined above, the variant was classified as likely benign.

Center for Advanced Laboratory Medicine, UC San Diego Health, University of California San Diego
Classification: Likely benign for Dilated cardiomyopathy. Last evaluated: 2018-07-13. Review status: criteria provided, single submitter. Criteria: ACMG Guidelines, 2015. Collection method: clinical testing. Allele origin: germline. Affected: yes. Observed: 1 variant allele.

Eurofins Ntd Llc (ga)
Classification: Uncertain significance. Last evaluated: 2017-12-21. Review status: criteria provided, single submitter. Criteria: EGL Classification Definitions 2015. Collection method: clinical testing. Allele origin: germline. Observed: 1 variant allele, 1 heterozygote.

Laboratory for Molecular Medicine, Mass General Brigham Personalized Medicine
Classification: Uncertain significance. Last evaluated: 2017-03-27. Review status: criteria provided, single submitter. Criteria: LMM Criteria. Collection method: clinical testing. Allele origin: germline. Observed: 2 variant alleles.
Comment: proposed classification - variant undergoing re-assessment, contact laboratory

Genetic Services Laboratory, University of Chicago
Classification: Uncertain significance. Last evaluated: 2016-08-02. Review status: criteria provided, single submitter. Criteria: ACMG Guidelines, 2015. Collection method: clinical testing. Allele origin: germline. Affected: no.